The following is an entry in ClinVar:

NM_003482.4(KMT2D):c.227T>G (p.Leu76Arg)

Gene: KMT2D (lysine methyltransferase 2D; minus strand). Cytogenetic location: 12q13.12.
Variant type: single nucleotide variant.
Coding change: c.227T>G on transcript NM_003482.4 (MANE Select); coding-DNA position 227, T replaced by G.
Protein change: p.Leu76Arg; replaces leucine 76 with arginine.
Molecular consequence: missense variant.
Genome position (GRCh38, 1-based): chr12:49,054,701, A>C on the plus strand (T>G on the coding strand, the complement: KMT2D is on the minus strand). VCF-style: chr12-49054701-A-C. GRCh37 (hg19) VCF-style: chr12-49448484-A-C.
Other names: short protein forms L76R.
Identifiers: ClinVar variation 4801267 (VCV004801267.1).

ClinVar aggregate classification (germline): Uncertain significance (1 of 4 stars; one submission).

Conditions:
Kabuki syndrome. Also called: NIIKAWA-KUROKI SYNDROME; Kabuki make-up syndrome. Identifiers: Orphanet 2322, MedGen C0796004, MONDO:0016512.

gnomAD v4.1: 2 of 1,613,454 alleles (0.00012%); highest among the groups gnomAD compares: Non-Finnish European, 0.00017%; no homozygotes.

Submission:

Labcorp Genetics (formerly Invitae), Labcorp
Classification: Uncertain significance for Kabuki syndrome. Last evaluated: 2025-04-29. Review status: criteria provided, single submitter. Criteria: Invitae Variant Classification Sherloc (09022015). Collection method: clinical testing. Allele origin: germline.
Comment: This sequence change replaces leucine, which is neutral and non-polar, with arginine, which is basic and polar, at codon 76 of the KMT2D protein (p.Leu76Arg). This variant is not present in population databases (gnomAD no frequency). This variant has not been reported in the literature in individuals affected with KMT2D-related conditions. Invitae Evidence Modeling of protein sequence and biophysical properties (such as structural, functional, and spatial information, amino acid conservation, physicochemical variation, residue mobility, and thermodynamic stability) indicates that this missense variant is expected to disrupt KMT2D protein function with a positive predictive value of 95%. In summary, the available evidence is currently insufficient to determine the role of this variant in disease. Therefore, it has been classified as a Variant of Uncertain Significance.